The following is an entry in ClinVar:

NM_001242896.3(DEPDC5):c.1234A>G (p.Ser412Gly)

Gene: DEPDC5 (DEP domain containing 5, GATOR1 subcomplex subunit; plus strand). Cytogenetic location: 22q12.3.
Variant type: single nucleotide variant.
Coding change: c.1234A>G on transcript NM_001242896.3 (MANE Select); coding-DNA position 1234, A replaced by G.
Protein change: p.Ser412Gly; replaces serine 412 with glycine.
Molecular consequence: missense variant. On other transcripts: non-coding transcript variant (5).
Genome position (GRCh38, 1-based): chr22:31,806,138, A>G. VCF-style: chr22-31806138-A-G. GRCh37 (hg19) VCF-style: chr22-32202124-A-G.
Other names: c.1234A>G, p.Ser412Gly (NM_001007188.4, NM_001136029.4, NM_001242897.2 and 7 more transcripts); c.1150A>G, p.Ser384Gly (NM_001369901.1, NM_001369902.1); short protein forms S384G, S412G.
Identifiers: ClinVar variation 2762537 (VCV002762537.3), dbSNP rs759939120, ClinGen allele CA10196291.
Genomic context (GRCh38, chr22:31,806,138, plus strand): 5'-ATAAAGGGAATTTAGATTAATGACTCTGTTTGTTTCTTTTACAGTTTCTACACATCCAAA[A>G]GCCAGCTCTTTTGTAATAGTTTCACCCCACGAATAAAACTGGCAGGAAAGAAGGTAGGTT-3'
Protein context (NP_001229825.1, residues 402-422): WINHSFYTSK[Ser412Gly]QLFCNSFTPR

ClinVar aggregate classification (germline): Uncertain significance (1 of 4 stars; one submission).

Conditions:
Familial focal epilepsy with variable foci (FPEVF). Identifiers: Orphanet 98820, MedGen C1858477, MONDO:0020310.

gnomAD v4.1: 47 of 1,613,808 alleles (0.0029%); highest among the groups gnomAD compares: Non-Finnish European, 0.0037%; no homozygotes.

Submission:

Labcorp Genetics (formerly Invitae), Labcorp
Classification: Uncertain significance for Familial focal epilepsy with variable foci. Last evaluated: 2025-04-10. Review status: criteria provided, single submitter. Criteria: Invitae Variant Classification Sherloc (09022015). Collection method: clinical testing. Allele origin: germline.
Comment: This sequence change replaces serine, which is neutral and polar, with glycine, which is neutral and non-polar, at codon 412 of the DEPDC5 protein (p.Ser412Gly). This variant is present in population databases (rs759939120, gnomAD 0.007%). This variant has not been reported in the literature in individuals affected with DEPDC5-related conditions. ClinVar contains an entry for this variant (Variation ID: 2762537). Experimental studies and prediction algorithms are not available or were not evaluated, and the functional significance of this variant is currently unknown. In summary, the available evidence is currently insufficient to determine the role of this variant in disease. Therefore, it has been classified as a Variant of Uncertain Significance.